The following is an entry in ClinVar:

ClinVar aggregate classification (germline): Pathogenic (1 of 4 stars; one submission).

Conditions:
Hereditary cancer-predisposing syndrome. Also called: Neoplastic Syndromes, Hereditary; Tumor predisposition; Hereditary Cancer Syndrome; Hereditary neoplastic syndrome. Identifiers: Orphanet 140162, MedGen C0027672, MeSH D009386, MONDO:0015356.

Submission:

Ambry Genetics
Classification: Pathogenic for Hereditary cancer-predisposing syndrome. Last evaluated: 2025-07-29. Review status: criteria provided, single submitter. Criteria: Ambry Variant Classification Scheme 2023. Collection method: clinical testing. Allele origin: germline.
Comment: The c.6337_6340delAGTA pathogenic mutation, located in coding exon 15 of the APC gene, results from a deletion of 4 nucleotides at nucleotide positions 6337 to 6340, causing a translational frameshift with a predicted alternate stop codon (p.S2113Vfs*25). This alteration occurs at the 3' terminus of the APC gene, is not expected to trigger nonsense-mediated mRNA decay, and impacts the last 26% of the protein. However, premature stop codons are typically deleterious in nature and a significant portion of the protein is affected (Ambry internal data). This variant was reported in individual(s) with features consistent with APC-related familial adenomatous polyposis (Ambry internal data). This variant is considered to be rare based on population cohorts in the Genome Aggregation Database (gnomAD). Based on the supporting evidence, this variant is interpreted as a disease-causing mutation.

NM_000038.6(APC):c.6337_6340del (p.Ser2113fs)

Gene: APC (APC regulator of Wnt signaling pathway; plus strand). Cytogenetic location: 5q22.2.
Variant type: Microsatellite.
Coding change: c.6337_6340del on transcript NM_000038.6 (MANE Select); coding-DNA positions 6337 to 6340, 4 bases deleted (AGTA; older notation c.6337_6340delAGTA).
Protein change: p.Ser2113fs; shifts the reading frame from serine 2113.
Molecular consequence: frameshift variant.
Genome position (GRCh38, 1-based): chr5:112,841,931-112,841,934, AGTA deleted; deleting any 4 consecutive bases within chr5:112,841,927-112,841,934 gives the same sequence; the c. name uses the placement nearest the transcript's 3' end. VCF-style (leftmost placement, unchanged base first): chr5-112841926-TAGTA-T. GRCh37 (hg19) VCF-style: chr5-112177623-TAGTA-T.
Other names: c.6337_6340del, p.Ser2113fs (NM_001127510.3, NM_001354895.2); c.6283_6286del, p.Ser2095fs (NM_001127511.3); c.6391_6394del, p.Ser2131fs (NM_001354896.2); c.6367_6370del, p.Ser2123fs (NM_001354897.2); c.6262_6265del, p.Ser2088fs (NM_001354898.2); c.6253_6256del, p.Ser2085fs (NM_001354899.2); c.6214_6217del, p.Ser2072fs (NM_001354900.2); c.6160_6163del, p.Ser2054fs (NM_001354901.2); and 16 more; short protein forms S1953fs, S1987fs, S2022fs, S2095fs, S2131fs, S1830fs, S2072fs, S2012fs.
Identifiers: ClinVar variation 1752923 (VCV001752923.3), dbSNP rs2533706782, ClinGen allele CA2580613632.